The following is an entry in ClinVar:

NM_178822.5(IGSF10):c.665C>T (p.Thr222Ile)

Gene: IGSF10 (immunoglobulin superfamily member 10; minus strand). Cytogenetic location: 3q25.1.
Variant type: single nucleotide variant.
Coding change: c.665C>T on transcript NM_178822.5 (MANE Select); coding-DNA position 665, C replaced by T.
Protein change: p.Thr222Ile; replaces threonine 222 with isoleucine.
Molecular consequence: missense variant.
Genome position (GRCh38, 1-based): chr3:151,453,434, G>A on the plus strand (C>T on the coding strand, the complement: IGSF10 is on the minus strand). VCF-style: chr3-151453434-G-A. GRCh37 (hg19) VCF-style: chr3-151171222-G-A.
Other names: c.665C>T, p.Thr222Ile (NM_001385060.1, NM_001385061.1, NM_001385062.1 and 1 more transcripts); short protein forms T222I.
Identifiers: ClinVar variation 2779515 (VCV002779515.3), dbSNP rs2474520791, ClinGen allele CA355004088.

ClinVar aggregate classification (germline): Uncertain significance (1 of 4 stars; one submission).

Allele frequency attached by ClinVar (database versions not stated): gnomAD exomes 0.00001.
gnomAD v4.1: 3 of 1,613,120 alleles (0.00019%); highest among the groups gnomAD compares: Non-Finnish European, 0.00025%; no homozygotes.

Submission:

Labcorp Genetics (formerly Invitae), Labcorp
Classification: Uncertain significance. Last evaluated: 2023-04-12. Review status: criteria provided, single submitter. Criteria: Invitae Variant Classification Sherloc (09022015). Collection method: clinical testing. Allele origin: germline.
Comment: This variant is not present in population databases (gnomAD no frequency). In summary, the available evidence is currently insufficient to determine the role of this variant in disease. Therefore, it has been classified as a Variant of Uncertain Significance. Algorithms developed to predict the effect of missense changes on protein structure and function output the following: SIFT: "Not Available"; PolyPhen-2: "Benign"; Align-GVGD: "Not Available". The isoleucine amino acid residue is found in multiple mammalian species, which suggests that this missense change does not adversely affect protein function. This variant has not been reported in the literature in individuals affected with IGSF10-related conditions. This sequence change replaces threonine, which is neutral and polar, with isoleucine, which is neutral and non-polar, at codon 222 of the IGSF10 protein (p.Thr222Ile).